The following is an entry in ClinVar:

NM_172107.4(KCNQ2):c.916G>A (p.Ala306Thr)

Gene: KCNQ2 (potassium voltage-gated channel subfamily Q member 2; minus strand). Cytogenetic location: 20q13.33.
Variant type: single nucleotide variant.
Coding change: c.916G>A on transcript NM_172107.4 (MANE Select); coding-DNA position 916, G replaced by A.
Protein change: p.Ala306Thr; replaces alanine 306 with threonine.
Molecular consequence: missense variant.
Genome position (GRCh38, 1-based): chr20:63,439,609, C>T on the plus strand (G>A on the coding strand, the complement: KCNQ2 is on the minus strand). VCF-style: chr20-63439609-C-T. GRCh37 (hg19) VCF-style: chr20-62070962-C-T.
Other names: c.916G>A, p.Ala306Thr (NM_004518.6, NM_172106.3, NM_172108.5 and 1 more transcripts); short protein forms A306T.
Identifiers: ClinVar variation 7382 (VCV000007382.27), dbSNP rs74315390, ClinGen allele CA340674.

ClinVar aggregate classification (germline): Pathogenic. Review status: criteria provided, multiple submitters, no conflicts (2 of 4 stars). 7 submissions from 7 submitters: Pathogenic (4). 3 of the submissions do not count toward it. Last evaluated 2025-06-12.

Conditions:
Early-infantile DEE. Also called: Early infantile epileptic encephalopathy; Early infantile epileptic encephalopathy with suppression bursts; Ohtahara syndrome. Identifiers: Orphanet 1934, MedGen C0393706, MONDO:0800491.
Inborn genetic diseases. Identifiers: MedGen C0950123, MeSH D030342.
Developmental and epileptic encephalopathy, 7 (DEE7). Also called: Early infantile epileptic encephalopathy 7; KCNQ2-Related Neonatal-Onset Developmental and Epileptic Encephalopathy (NEO-DEE); KCNQ2-Related Neonatal Epileptic Encephalopathy. Identifiers: Orphanet 439218, MedGen C3150986, MONDO:0013387, OMIM 613720.
Seizures, benign familial neonatal, 1. Also called: Seizures, benign neonatal, 1; KCNQ2-Related Self-Limited Familial Neonatal Epilepsy (SLFNE); KCNQ2-Related Benign Familial Neonatal Epilepsy; Benign Neonatal Epilepsy 1. Identifiers: Orphanet 1949, MedGen C3149074, MONDO:0007365, OMIM 121200.

Allele frequency attached by ClinVar (database versions not stated): TOPMed below 0.00001.

Submissions (13):

Labcorp Genetics (formerly Invitae), Labcorp
Classification: Pathogenic for Early-infantile DEE. Last evaluated: 2025-06-12. Review status: criteria provided, single submitter. Criteria: Invitae Variant Classification Sherloc (09022015). Collection method: clinical testing. Allele origin: germline.
Comment: This sequence change replaces alanine, which is neutral and non-polar, with threonine, which is neutral and polar, at codon 306 of the KCNQ2 protein (p.Ala306Thr). This variant is not present in population databases (gnomAD no frequency). This missense change has been observed in individuals with benign familial neonatal seizures (PMID: 9425895, 14534157, 24375629). It has also been observed to segregate with disease in related individuals. ClinVar contains an entry for this variant (Variation ID: 7382). Invitae Evidence Modeling of protein sequence and biophysical properties (such as structural, functional, and spatial information, amino acid conservation, physicochemical variation, residue mobility, and thermodynamic stability) indicates that this missense variant is expected to disrupt KCNQ2 protein function with a positive predictive value of 95%. Experimental studies have shown that this missense change affects KCNQ2 function (PMID: 18483067, 19453707). This variant disrupts the p.Ala306 amino acid residue in KCNQ2. Other variant(s) that disrupt this residue have been determined to be pathogenic (PMID: 25959266, 26704558, 27535030). This suggests that this residue is clinically significant, and that variants that disrupt this residue are likely to be disease-causing. For these reasons, this variant has been classified as Pathogenic.

GeneDx
Classification: Pathogenic. Last evaluated: 2025-06-07. Review status: criteria provided, single submitter. Criteria: GeneDx Variant Classification Process June 2021. Collection method: clinical testing. Allele origin: germline. Affected: yes.
Comment: Published functional studies demonstrate altered excitability of the M-type K+ channel, reduction of seizure threshold, and altered susceptibility to kindling-acquisition in a mouse model (PMID: 19453707); Reported in a family with benign familial neonatal seizures (PMID: 9425895); In silico analysis supports that this missense variant has a deleterious effect on protein structure/function; Not observed at significant frequency in large population cohorts (gnomAD); This substitution is predicted to be within the transmembrane segment S6; This variant is associated with the following publications: (PMID: 26138355, 28717674, 24586341, 19453707, 9425895)

Institute of Human Genetics, University of Leipzig Medical Center
Classification: Pathogenic for Developmental and epileptic encephalopathy, 7. Last evaluated: 2024-09-30. Review status: criteria provided, single submitter. Criteria: ACMG Guidelines, 2015. Collection method: clinical testing. Allele origin: de novo. Inheritance: Autosomal dominant inheritance. Affected: yes.
Comment: Criteria applied: PS2,PS4,PM5_STR,PM1,PM2,PP3

Ambry Genetics
Classification: Pathogenic for Inborn genetic diseases. Last evaluated: 2019-11-25. Review status: criteria provided, single submitter. Criteria: Ambry Variant Classification Scheme 2023. Collection method: clinical testing. Allele origin: germline.
Comment: The p.A306T pathogenic mutation (also known as c.916G>A), located in coding exon 6 of the KCNQ2 gene, results from a G to A substitution at nucleotide position 916. The alanine at codon 306 is replaced by threonine, an amino acid with similar properties. This mutation was originally identified in a large family, which showed significant linkage to the KCNQ2 locus on chromosome 20 (Singh NA et al. Nat. Genet., 1998 Jan;18:25-9). Subsequently, this mutation has been reported in patients with neonatal seizures or infantile spasms (Soldovieri MV et al. Hum. Mutat., 2014 Mar;35:356-67; Dimassi S et al. Clin. Genet., 2016 Feb;89:198-204). An in vitro study showed that A306T, located in transmembrane domain S6, reduces potassium currents (Schroeder BC et al. Nature, 1998 Dec;396:687-90). Furthermore, A306T knock-in mice have reduced thresholds to electrically induced seizure and increased sensitivity to chemical convulsant (Singh NA et al. J. Physiol. (Lond.), 2008 Jul;586:3405-23; Otto JF et al. Epilepsia, 2009 Jul;50:1752-9; Tomonoh Y et al. PLoS ONE, 2014 Feb;9:e88549). Based on the available evidence, p.A306T is classified as a pathogenic mutation.

OMIM
Classification: Pathogenic for SEIZURES, BENIGN FAMILIAL NEONATAL, 1. Last evaluated: 1998-01-01. Review status: no assertion criteria provided. Collection method: literature only. Allele origin: germline. Not counted in ClinVar's aggregate classification.

Channelopathy-Associated Epilepsy Research Center
No classification provided (evidence only). Condition: Complex neurodevelopmental disorder. Review status: no classification provided. Collection method: literature only. Allele origin: not applicable. Functional consequence: Severe decrease in peak current, Mild slowing of activation, Severe depolarizing shift of voltage dependence of activation. Not counted in ClinVar's aggregate classification.
ClinVar note: "not provided" was previously submitted as the classification for the variant. However, the classification appeared to be based only on an observation of functional data so it was converted to no classification on 2025-07-30.

Channelopathy-Associated Epilepsy Research Center
No classification provided (evidence only). Review status: no classification provided. Collection method: in vitro. Allele origin: not applicable. Functional consequence: Decrease in peak current. Not counted in ClinVar's aggregate classification.

Channelopathy-Associated Epilepsy Research Center
No classification provided (evidence only). Review status: no classification provided. Collection method: in vitro. Allele origin: not applicable. Functional consequence: Decrease in peak current. Not counted in ClinVar's aggregate classification.

Channelopathy-Associated Epilepsy Research Center
No classification provided (evidence only). Review status: no classification provided. Collection method: in vitro. Allele origin: not applicable. Functional consequence: Depolarizing shift of voltage dependence of activation. Not counted in ClinVar's aggregate classification.

Channelopathy-Associated Epilepsy Research Center
No classification provided (evidence only). Review status: no classification provided. Collection method: in vitro. Allele origin: not applicable. Functional consequence: Normal slope of activation. Not counted in ClinVar's aggregate classification.

Channelopathy-Associated Epilepsy Research Center
No classification provided (evidence only). Review status: no classification provided. Collection method: in vitro. Allele origin: not applicable. Functional consequence: Normal rate of activation. Not counted in ClinVar's aggregate classification.

Cytogénomique, Hospices Civils de Lyon
Classification: Pathogenic for Developmental and epileptic encephalopathy, 7. Review status: no assertion criteria provided. Collection method: clinical testing. Allele origin: unknown. Inheritance: Autosomal dominant inheritance. Affected: yes. Not counted in ClinVar's aggregate classification.

GeneReviews
No classification provided. Condition: Seizures, benign familial neonatal, 1. Review status: no classification provided. Collection method: literature only. Allele origin: germline. Affected: yes. Not counted in ClinVar's aggregate classification.
Comment: BFNE (benign familial neonatal epilepsy). 11/69 FS (febrile seizures); GS (generalized seizures) between 1 and 16 years.

Functional effect: Oocytes: Q2wt:Q2mut:Q3, 20-30% reduced current

Literature cited by the submitters: PubMed 9425895 (cited by 4 submitters); PubMed 14534157 (cited by Labcorp Genetics (formerly Invitae), Labcorp); PubMed 24375629 (cited by 3 submitters); PubMed 18483067 (cited by Labcorp Genetics (formerly Invitae), Labcorp and Ambry Genetics); PubMed 19453707 (cited by Labcorp Genetics (formerly Invitae), Labcorp and Ambry Genetics); PubMed 25959266 (cited by Labcorp Genetics (formerly Invitae), Labcorp); PubMed 26704558 (cited by Labcorp Genetics (formerly Invitae), Labcorp); PubMed 27535030 (cited by Labcorp Genetics (formerly Invitae), Labcorp); PubMed 24586341 (cited by Ambry Genetics); PubMed 26138355 (cited by Ambry Genetics); PubMed 28717674 (cited by Ambry Genetics); PubMed 29263209 (cited by Ambry Genetics); PubMed 31152295 (cited by Ambry Genetics); PubMed 9872318 (cited by Ambry Genetics and GeneReviews); PubMed 35104249 (cited by Channelopathy-Associated Epilepsy Research Center); NCBI Bookshelf NBK32534 (cited by GeneReviews).